The following is an entry in ClinVar:

ClinVar aggregate classification (germline): Pathogenic/Likely pathogenic. Review status: criteria provided, multiple submitters, no conflicts (2 of 4 stars). 4 submissions from 4 submitters: Pathogenic (1); Likely pathogenic (3). Last evaluated 2025-06-24.

Conditions:
Glutaric acidemia type 2C.
Multiple acyl-CoA dehydrogenase deficiency (MADD). Also called: ETHYLMALONIC-ADIPICACIDURIA; GA II; Glutaric aciduria, type 2; Glutaric acidemia type II; GA 2; Glutaric Acidemia type 2. Identifiers: Orphanet 26791, MedGen C0268596, MONDO:0009282, OMIM 231680.

Submissions (4):

Women's Health and Genetics/Laboratory Corporation of America, LabCorp
Classification: Likely pathogenic for Multiple acyl-CoA dehydrogenase deficiency. Last evaluated: 2025-06-24. Review status: criteria provided, single submitter. Criteria: LabCorp Variant Classification Summary - May 2015. Collection method: clinical testing. Allele origin: germline.
Comment: Variant summary: ETFDH c.920C>G (p.Ser307Cys) results in a non-conservative amino acid change in the encoded protein sequence. Algorithms developed to predict the effect of missense changes on protein structure and function all suggest that this variant is likely to be disruptive. The variant was absent in 251418 control chromosomes. c.920C>G has been observed in compound heterozygous individuals affected with Glutaric Aciduria, Type 2c (Peng_2015, Xue_2017, Wang_2018, Ji_2023). These data indicate that the variant is likely to be associated with disease. To our knowledge, no experimental evidence demonstrating an impact on protein function has been reported. The following publications have been ascertained in the context of this evaluation (PMID: 37600658, 26205240, 30508893, 28950901). ClinVar contains an entry for this variant (Variation ID: 2675102). Based on the evidence outlined above, the variant was classified as likely pathogenic.

Natera, Inc.
Classification: Likely pathogenic for Glutaric acidemia type 2C. Last evaluated: 2025-03-18. Review status: criteria provided, single submitter. Criteria: Natera Variant Classification Schema (03/2026). Collection method: clinical testing. Allele origin: germline.
Comment: The c.920C>G variant in ETFDH is a missense variant predicted to cause substitution of serine to cysteine at amino acid 307. This variant is rare in the general population with a frequency below the threshold expected for the associated phenotype(s). This variant has been observed in one or more individuals affected with the associated recessive disease, as either homozygous or compound heterozygous with a second variant (PMID: 30681493, 28950901, 26821934, 26205240, 34718578). Computational prediction algorithms indicate this variant is likely to affect gene or protein function. Given the available evidence, this variant is classified as Likely Pathogenic.

Baylor Genetics
Classification: Likely pathogenic for Multiple acyl-CoA dehydrogenase deficiency. Last evaluated: 2023-10-06. Review status: criteria provided, single submitter. Criteria: ACMG Guidelines, 2015. Collection method: clinical testing. Allele origin: unknown.

Juno Genomics, Hangzhou Juno Genomics, Inc
Classification: Pathogenic for Multiple acyl-CoA dehydrogenase deficiency. Review status: criteria provided, single submitter. Criteria: ACMG Guidelines, 2015. Collection method: clinical testing. Allele origin: germline.
Comment: Absent from controls (or at extremely low frequency if recessive) in Genome Aggregation Database.;Multiple lines of computational evidence support a deleterious effect on the gene or gene product.;For recessive disorders, detected in trans with a pathogenic variant.;Patient's phenotype or family history is highly specific for a disease with a single genetic etiology.

Literature cited by the submitters: PubMed 37600658 (cited by Women's Health and Genetics/Laboratory Corporation of America, LabCorp); PubMed 26205240 (cited by Women's Health and Genetics/Laboratory Corporation of America, LabCorp and Natera, Inc.); PubMed 30508893 (cited by Women's Health and Genetics/Laboratory Corporation of America, LabCorp); PubMed 28950901 (cited by Women's Health and Genetics/Laboratory Corporation of America, LabCorp and Natera, Inc.); PubMed 30681493 (cited by Natera, Inc.); PubMed 26821934 (cited by Natera, Inc.); PubMed 34718578 (cited by Natera, Inc.).

NM_004453.4(ETFDH):c.920C>G (p.Ser307Cys)

Gene: ETFDH (electron transfer flavoprotein dehydrogenase; plus strand). Cytogenetic location: 4q32.1.
Variant type: single nucleotide variant.
Coding change: c.920C>G on transcript NM_004453.4 (MANE Select); coding-DNA position 920, C replaced by G.
Protein change: p.Ser307Cys; replaces serine 307 with cysteine.
Molecular consequence: missense variant.
Genome position (GRCh38, 1-based): chr4:158,697,647, C>G. VCF-style: chr4-158697647-C-G. GRCh37 (hg19) VCF-style: chr4-159618799-C-G.
Other names: c.920C>G (NM_004453.3); c.779C>G, p.Ser260Cys (NM_001281737.2); c.737C>G, p.Ser246Cys (NM_001281738.1); short protein forms S246C, S260C, S307C.
Identifiers: ClinVar variation 2675102 (VCV002675102.5), dbSNP rs769047475, ClinGen allele CA358561568.